The following is an entry in ClinVar:

ClinVar aggregate classification (germline): Uncertain significance (1 of 4 stars; one submission).

Conditions:
PKD1-related disorder. Also called: PKD1-related condition.

gnomAD v4.1: 1 of 1,611,234 alleles (0.000062%); highest among the groups gnomAD compares: Non-Finnish European, 0.000085%; no homozygotes.

Submission:

PreventionGenetics, part of Exact Sciences
Classification: Uncertain significance for PKD1-related condition. Last evaluated: 2026-05-26. Review status: criteria provided, single submitter. Criteria: ACMG Guidelines, 2015. Collection method: clinical testing. Allele origin: germline.
Comment: The PKD1 c.3995A>T variant is predicted to result in the amino acid substitution p.Asp1332Val. To our knowledge, this variant has not been reported in the literature or in a large population database (gnomAD), indicating this variant is rare. At this time, the clinical significance of this variant is uncertain due to the absence of conclusive functional and genetic evidence.

NM_001009944.3(PKD1):c.3995A>T (p.Asp1332Val)

Gene: PKD1 (polycystin 1, transient receptor potential channel interacting; minus strand). Cytogenetic location: 16p13.3.
Variant type: single nucleotide variant.
Coding change: c.3995A>T on transcript NM_001009944.3 (MANE Select); coding-DNA position 3995, A replaced by T.
Protein change: p.Asp1332Val; replaces aspartic acid 1332 with valine.
Molecular consequence: missense variant.
Genome position (GRCh38, 1-based): chr16:2,111,172, T>A on the plus strand (A>T on the coding strand, the complement: PKD1 is on the minus strand). VCF-style: chr16-2111172-T-A. GRCh37 (hg19) VCF-style: chr16-2161173-T-A.
Other names: c.3995A>T, p.Asp1332Val (NM_000296.4); short protein forms D1332V.
Identifiers: ClinVar variation 4992476 (VCV004992476.1).